The following is an entry in ClinVar:

ClinVar aggregate classification (germline): Uncertain significance. Review status: criteria provided, multiple submitters, no conflicts (2 of 4 stars). 3 submissions from 3 submitters: Uncertain significance (3). Last evaluated 2024-06-20.

Allele frequency attached by ClinVar (database versions not stated): gnomAD 0.00019 and 0.00021; gnomAD exomes 0.00019 and 0.00025; TOPMed 0.00021; ExAC 0.00029; ESP Exome Variant Server 0.00038.
gnomAD v4.1: 390 of 1,613,726 alleles (0.024%); highest among the groups gnomAD compares: Non-Finnish European, 0.032%; no homozygotes.

Submissions (3):

GeneDx
Classification: Uncertain significance. Last evaluated: 2024-06-20. Review status: criteria provided, single submitter. Criteria: GeneDx Variant Classification Process June 2021. Collection method: clinical testing. Allele origin: germline. Affected: yes.
Comment: In silico analysis supports that this missense variant has a deleterious effect on protein structure/function; Has not been previously published as pathogenic or benign to our knowledge

Labcorp Genetics (formerly Invitae), Labcorp
Classification: Uncertain significance. Last evaluated: 2022-10-16. Review status: criteria provided, single submitter. Criteria: Invitae Variant Classification Sherloc (09022015). Collection method: clinical testing. Allele origin: germline.
Comment: This sequence change replaces tyrosine, which is neutral and polar, with histidine, which is basic and polar, at codon 1067 of the TTC37 protein (p.Tyr1067His). This variant is present in population databases (rs139370051, gnomAD 0.04%). This variant has not been reported in the literature in individuals affected with TTC37-related conditions. ClinVar contains an entry for this variant (Variation ID: 1413265). Algorithms developed to predict the effect of missense changes on protein structure and function (SIFT, PolyPhen-2, Align-GVGD) all suggest that this variant is likely to be tolerated. In summary, the available evidence is currently insufficient to determine the role of this variant in disease. Therefore, it has been classified as a Variant of Uncertain Significance.

Mayo Clinic Laboratories, Mayo Clinic
Classification: Uncertain significance. Last evaluated: 2021-06-02. Review status: criteria provided, single submitter. Criteria: ACMG Guidelines, 2015. Collection method: clinical testing. Allele origin: germline.

NM_014639.4(SKIC3):c.3199T>C (p.Tyr1067His)

Gene: SKIC3 (SKI3 subunit of superkiller complex; minus strand). Cytogenetic location: 5q15.
Variant type: single nucleotide variant.
Coding change: c.3199T>C on transcript NM_014639.4 (MANE Select); coding-DNA position 3199, T replaced by C.
Protein change: p.Tyr1067His; replaces tyrosine 1067 with histidine.
Molecular consequence: missense variant.
Genome position (GRCh38, 1-based): chr5:95,503,832, A>G on the plus strand (T>C on the coding strand, the complement: SKIC3 is on the minus strand). VCF-style: chr5-95503832-A-G. GRCh37 (hg19) VCF-style: chr5-94839536-A-G.
Other names: p.Tyr1067His; c.3199T>C (NM_014639.3); short protein forms Y1067H.
Identifiers: ClinVar variation 1413265 (VCV001413265.4), dbSNP rs139370051, ClinGen allele CA3346821.
Genomic context (GRCh38, chr5:95,503,832, plus strand): 5'-TCGACTCTAAATGTGTCCTTAGCTTCAGAGCAATATACTTACCTTTGCTGCTCTCTTTAT[A>G]AAGCCCCTTCATGAATAAAGCCAATGCAAAACCTATGATGTCTTCTAACACTTCAAGGGG-3'
Protein context (NP_055454.1, residues 1057-1077): FALALFMKGL[Tyr1067His]KESSKAYERA